The following is an entry in ClinVar:

NM_004706.4(ARHGEF1):c.2243G>A (p.Arg748Gln)

Gene: ARHGEF1 (Rho guanine nucleotide exchange factor 1; plus strand). Cytogenetic location: 19q13.2.
Variant type: single nucleotide variant.
Coding change: c.2243G>A on transcript NM_004706.4 (MANE Select); coding-DNA position 2243, G replaced by A.
Protein change: p.Arg748Gln; replaces arginine 748 with glutamine.
Molecular consequence: missense variant.
Genome position (GRCh38, 1-based): chr19:41,905,030, G>A. VCF-style: chr19-41905030-G-A. GRCh37 (hg19) VCF-style: chr19-42409182-G-A.
Other names: c.2288G>A (NM_199002.1); c.2144G>A, p.Arg715Gln (NM_198977.2); c.2288G>A, p.Arg763Gln (NM_199002.2); short protein forms R763Q, R715Q, R748Q.
Identifiers: ClinVar variation 1406396 (VCV001406396.9), dbSNP rs376994500, ClinGen allele CA9466634.

ClinVar aggregate classification (germline): Uncertain significance. Review status: criteria provided, multiple submitters, no conflicts (2 of 4 stars). 3 submissions from 3 submitters: Uncertain significance (3). Last evaluated 2025-12-15.

Allele frequency attached by ClinVar (database versions not stated): TOPMed 0.00003; gnomAD 0.00004 and 0.00007; gnomAD exomes 0.00007 and 0.00011; ESP Exome Variant Server 0.00008; ExAC 0.00016; 1000 Genomes Project 30x 0.00031; 1000 Genomes Project 0.00040.
gnomAD v4.1: 117 of 1,614,134 alleles (0.0072%); highest among the groups gnomAD compares: South Asian, 0.065%; 2 homozygotes.

Submissions (3):

Ambry Genetics
Classification: Uncertain significance. Last evaluated: 2025-12-15. Review status: criteria provided, single submitter. Criteria: Ambry Variant Classification Scheme 2023. Collection method: clinical testing. Allele origin: germline.

Labcorp Genetics (formerly Invitae), Labcorp
Classification: Uncertain significance. Last evaluated: 2025-09-23. Review status: criteria provided, single submitter. Criteria: Invitae Variant Classification Sherloc (09022015). Collection method: clinical testing. Allele origin: germline.
Comment: This sequence change replaces arginine, which is basic and polar, with glutamine, which is neutral and polar, at codon 763 of the ARHGEF1 protein (p.Arg763Gln). This variant is present in population databases (rs376994500, gnomAD 0.07%), and has an allele count higher than expected for a pathogenic variant. This variant has not been reported in the literature in individuals affected with ARHGEF1-related conditions. ClinVar contains an entry for this variant (Variation ID: 1406396). An algorithm developed to predict the effect of missense changes on protein structure and function (PolyPhen-2) suggests that this variant is likely to be disruptive. In summary, the available evidence is currently insufficient to determine the role of this variant in disease. Therefore, it has been classified as a Variant of Uncertain Significance.

Blueprint Genetics
Classification: Uncertain significance. Last evaluated: 2024-11-18. Review status: criteria provided, single submitter. Criteria: ACMG Guidelines, 2015. Collection method: clinical testing. Allele origin: germline.